The following is an entry in ClinVar:

NM_001035.3(RYR2):c.230C>T (p.Ala77Val)

Gene: RYR2 (ryanodine receptor 2; plus strand). Cytogenetic location: 1q43.
Variant type: single nucleotide variant.
Coding change: c.230C>T on transcript NM_001035.3 (MANE Select); coding-DNA position 230, C replaced by T.
Protein change: p.Ala77Val; replaces alanine 77 with valine.
Molecular consequence: missense variant.
Genome position (GRCh38, 1-based): chr1:237,330,939, C>T. VCF-style: chr1-237330939-C-T. GRCh37 (hg19) VCF-style: chr1-237494239-C-T.
Other names: p.Ala77Val; c.230C>T, p.Ala77Val (LRG_402t1); short protein forms A77V.
Identifiers: ClinVar variation 404190 (VCV000404190.17), dbSNP rs1060500142, ClinGen allele CA16610004.
Genomic context (GRCh38, chr1:237,330,939, plus strand): 5'-ATGTGCCCCCAGACCTCTCCATCTGCACCTTTGTGCTGGAGCAGTCCCTCTCTGTCCGGG[C>T]GCTGCAGGAGATGCTGGCTAACACCGTGGAGAAATCAGAAGGGGCAAGTACCCAATTTAT-3'
Protein context (NP_001026.2, residues 67-87): FVLEQSLSVR[Ala77Val]LQEMLANTVE

ClinVar aggregate classification (germline): Pathogenic/Likely pathogenic. Review status: criteria provided, multiple submitters, no conflicts (2 of 4 stars). 4 submissions from 4 submitters: Pathogenic (2); Likely pathogenic (2). Last evaluated 2026-09-16.

Conditions:
Cardiovascular phenotype. Identifiers: MedGen CN230736.
Catecholaminergic polymorphic ventricular tachycardia 1. Also called: VENTRICULAR TACHYCARDIA, STRESS-INDUCED POLYMORPHIC 1; VENTRICULAR TACHYCARDIA, CATECHOLAMINERGIC POLYMORPHIC, 1, WITH OR WITHOUT ATRIAL DYSFUNCTION AND/OR DILATED CARDIOMYOPATHY; RYR2-Related Catecholaminergic Polymorphic Ventricular Tachycardia. Identifiers: Orphanet 3286, MedGen C1631597, MONDO:0011484, OMIM 604772.

Allele frequency attached by ClinVar (database versions not stated): gnomAD exomes below 0.00001 and 0.00001.
gnomAD v4.1: 3 of 1,613,978 alleles (0.00019%); highest among the groups gnomAD compares: South Asian, 0.0011%; no homozygotes.

Submissions (4):

GeneDx
Classification: Likely pathogenic. Last evaluated: 2026-09-16. Review status: criteria provided, single submitter. Criteria: GeneDx Variant Classification Process June 2021. Collection method: clinical testing. Allele origin: germline.
Comment: Published functional studies demonstrate a damaging effect as this variant may affect calcium release, which is thought to cause arrhythmia (PMID: 22374134); Reported in an individual with sudden cardiac death and postmortem diagnosis of ARVC; also identified in the parent and sibling with CPVT (PMID: 16084945); Not observed at significant frequency in large population cohorts (gnomAD); Located in one of the three hot-spot regions of the RYR2 gene, where the majority of pathogenic missense variants occur (PMID: 19926015); In silico analysis supports that this missense variant has a deleterious effect on protein structure/function; This variant is associated with the following publications: (PMID: 24025405, 19913485, 22221940, 25901278, 31112425, 19926015, 32152366, 16084945, 22374134)

Labcorp Genetics (formerly Invitae), Labcorp
Classification: Pathogenic for Catecholaminergic polymorphic ventricular tachycardia 1. Last evaluated: 2026-01-19. Review status: criteria provided, single submitter. Criteria: Invitae Variant Classification Sherloc (09022015). Collection method: clinical testing. Allele origin: germline.
Comment: This sequence change replaces alanine, which is neutral and non-polar, with valine, which is neutral and non-polar, at codon 77 of the RYR2 protein (p.Ala77Val). This variant is present in population databases (no rsID available, gnomAD 0.0009%). This missense change has been observed in individuals with arrhythmogenic right ventricular cardiomyopathy (ARVC) and/or catecholaminergic polymorphic ventricular tachycardia (CPVT) (PMID: 16084945; internal data). It has also been observed to segregate with disease in related individuals. ClinVar contains an entry for this variant (Variation ID: 404190). Invitae Evidence Modeling of protein sequence and biophysical properties (such as structural, functional, and spatial information, amino acid conservation, physicochemical variation, residue mobility, and thermodynamic stability) indicates that this missense variant is expected to disrupt RYR2 protein function with a positive predictive value of 95%. Experimental studies have shown that this missense change affects RYR2 function (PMID: 19913485, 22374134). For these reasons, this variant has been classified as Pathogenic.

Ambry Genetics
Classification: Pathogenic for Cardiovascular phenotype. Last evaluated: 2025-11-21. Review status: criteria provided, single submitter. Criteria: Ambry Variant Classification Scheme 2023. Collection method: clinical testing. Allele origin: germline.
Comment: The c.230C>T (p.A77V) alteration is located in exon 3 (coding exon 3) of the RYR2 gene. This alteration results from a C to T substitution at nucleotide position 230, causing the alanine (A) at amino acid position 77 to be replaced by a valine (V). Based on data from gnomAD, the T allele has an overall frequency of <0.001% (1/249222) total alleles studied. The highest observed frequency was 0.001% (1/112960) of European (non-Finnish) alleles. This variant was reported in individual(s) with features consistent with RYR2-related ventricular arrhythmia (d'Amati, 2005; van der Werf, 2010; Giudicessi, 2019; external communication). This amino acid position is highly conserved in available vertebrate species. Based on internal structural analysis, this variant is anticipated to result in a significant decrease in structural stability (Lobo, 2009; Tung, 2010; Walpoth, 2015). Functional studies suggest this alteration impacts calcium signaling, but the physiological relevance of this impact is unclear (Tang, 2012). This alteration is predicted to be deleterious by in silico analysis. Based on the available evidence, this alteration is classified as pathogenic.

Mayo Clinic Laboratories, Mayo Clinic
Classification: Likely pathogenic. Last evaluated: 2025-09-19. Review status: criteria provided, single submitter. Criteria: ACMG Guidelines, 2015. Collection method: clinical testing. Allele origin: germline. Observed: 2 variant alleles.
Comment: PP1, PP2, PP3_moderate, PM2_supporting, PS3_supporting, PS4_moderate

Literature cited by the submitters: PubMed 16084945 (cited by 3 submitters); PubMed 19913485 (cited by 3 submitters); PubMed 22374134 (cited by 3 submitters); PubMed 20646679 (cited by Ambry Genetics and Mayo Clinic Laboratories, Mayo Clinic); PubMed 21048710 (cited by Ambry Genetics); PubMed 25901278 (cited by Ambry Genetics); PubMed 30763784 (cited by Ambry Genetics); PubMed 19926015 (cited by Mayo Clinic Laboratories, Mayo Clinic); PubMed 24025405 (cited by Mayo Clinic Laboratories, Mayo Clinic).